The following is an entry in ClinVar:

ClinVar aggregate classification (germline): Benign. Review status: criteria provided, multiple submitters, no conflicts (2 of 4 stars). 8 submissions from 8 submitters: Benign (8). Last evaluated 2026-02-04.

Allele frequency attached by ClinVar (database versions not stated): gnomAD exomes 0.50122 and 0.52680; ExAC 0.53275; gnomAD 0.60860 and 0.61784; TOPMed 0.61618; 1000 Genomes Project 0.61681; ESP Exome Variant Server 0.62425; 1000 Genomes Project 30x 0.63023.
gnomAD v4.1: 821,900 of 1,603,698 alleles (51%); highest among the groups gnomAD compares: African/African-American, 88%; 217,450 homozygotes.

Submissions (8):

Labcorp Genetics (formerly Invitae), Labcorp
Classification: Benign. Last evaluated: 2026-02-04. Review status: criteria provided, single submitter. Criteria: Invitae Variant Classification Sherloc (09022015). Collection method: clinical testing. Allele origin: germline.

ARUP Laboratories, Molecular Genetics and Genomics, ARUP Laboratories
Classification: Benign. Last evaluated: 2025-07-30. Review status: criteria provided, single submitter. Criteria: ARUP Molecular Germline Variant Investigation Process 2024. Collection method: clinical testing. Allele origin: germline.

Blueprint Genetics
Classification: Benign. Last evaluated: 2024-11-27. Review status: criteria provided, single submitter. Criteria: ACMG Guidelines, 2015. Collection method: clinical testing. Allele origin: germline.

Unidad de Genómica Garrahan, Hospital de Pediatría Garrahan
Classification: Benign. Last evaluated: 2024-01-24. Review status: criteria provided, single submitter. Criteria: ACMG Guidelines, 2015. Collection method: clinical testing. Allele origin: germline. Affected: no. Observed: 59 variant alleles.
Comment: This variant is classified as Benign based on local population frequency. This variant was detected in 67% of patients studied by a panel of primary immunodeficiencies. Number of patients: 59. Only high quality variants are reported.

Mayo Clinic Laboratories, Mayo Clinic
Classification: Benign. Last evaluated: 2023-03-28. Review status: criteria provided, single submitter. Criteria: ACMG Guidelines, 2015. Collection method: clinical testing. Allele origin: germline. Observed: 222 variant alleles.

GeneDx
Classification: Benign. Last evaluated: 2018-11-12. Review status: criteria provided, single submitter. Criteria: GeneDx Variant Classification Process June 2021. Collection method: clinical testing. Allele origin: germline. Affected: yes.

Laboratory for Molecular Medicine, Mass General Brigham Personalized Medicine
Classification: Benign. Last evaluated: 2016-03-29. Review status: criteria provided, single submitter. Criteria: LMM Criteria. Collection method: clinical testing. Allele origin: germline.
Comment: Variant identified in a genome or exome case(s) and assessed due to predicted null impact of the variant or pathogenic assertions in the literature or databases. Disclaimer: This variant has not undergone full assessment. The following are preliminary notes: Frequency

Breakthrough Genomics
Classification: Benign. Review status: criteria provided, single submitter. Criteria: ACMG Guidelines, 2015. Collection method: not provided. Allele origin: germline. Inheritance: Autosomal dominant inheritance. Affected: yes.

NM_004972.4(JAK2):c.2490G>A (p.Leu830=)

Genes: INSL6 (insulin like 6; minus strand), JAK2 (Janus kinase 2; plus strand). Cytogenetic location: 9p24.1.
Variant type: single nucleotide variant.
Coding change: c.2490G>A on transcript NM_004972.4 (MANE Select); coding-DNA position 2490, G replaced by A.
Protein change: p.Leu830=; no amino-acid change (leucine 830 retained).
Molecular consequence: synonymous variant. On other transcripts: non-coding transcript variant (2).
Genome position (GRCh38, 1-based): chr9:5,081,780, G>A. VCF-style: chr9-5081780-G-A. GRCh37 (hg19) VCF-style: chr9-5081780-G-A.
Other names: p.Leu830=; c.2490G>A, p.Leu830= (NM_001322194.2, NM_001322195.2, NM_001322196.2); c.1275G>A, p.Leu425= (NM_001322198.2, NM_001322199.2); c.2043G>A, p.Leu681= (NM_001322204.2).
Identifiers: ClinVar variation 367129 (VCV000367129.18), dbSNP rs2230724, ClinGen allele CA4972169.